The following is an entry in ClinVar:

ClinVar aggregate classification (germline): Uncertain significance (1 of 4 stars; one submission).

Submission:

Labcorp Genetics (formerly Invitae), Labcorp
Classification: Uncertain significance. Last evaluated: 2022-02-22. Review status: criteria provided, single submitter. Criteria: Invitae Variant Classification Sherloc (09022015). Collection method: clinical testing. Allele origin: germline.
Comment: This sequence change replaces glycine, which is neutral and non-polar, with arginine, which is basic and polar, at codon 762 of the ADAMTS10 protein (p.Gly762Arg). Information on the frequency of this variant in the gnomAD database is not available, as this variant may be reported differently in the database. This variant has not been reported in the literature in individuals affected with ADAMTS10-related conditions. Experimental studies and prediction algorithms are not available or were not evaluated, and the functional significance of this variant is currently unknown. In summary, the available evidence is currently insufficient to determine the role of this variant in disease. Therefore, it has been classified as a Variant of Uncertain Significance.

NM_030957.4(ADAMTS10):c.2283_2284inv (p.Gly762Arg)

Gene: ADAMTS10 (ADAM metallopeptidase with thrombospondin type 1 motif 10; minus strand). Cytogenetic location: 19p13.2.
Variant type: Inversion.
Coding change: c.2283_2284inv on transcript NM_030957.4 (MANE Select).
Protein change: p.Gly762Arg; replaces glycine 762 with arginine.
Molecular consequence: missense variant.
Genome position: GRCh38 VCF-style: chr19-8586677-CA-TG. GRCh37 (hg19) VCF-style: chr19-8651561-CA-TG.
Other names: c.744_745inv, p.Gly249Arg (NM_001282352.2); short protein forms G762R, G249R.
Identifiers: ClinVar variation 1938669 (VCV001938669.2), ClinGen allele CA2580097153.